The following is an entry in ClinVar:

NM_019112.4(ABCA7):c.1438A>C (p.Arg480=)

Gene: ABCA7 (ATP binding cassette subfamily A member 7; plus strand). Cytogenetic location: 19p13.3.
Variant type: single nucleotide variant.
Coding change: c.1438A>C on transcript NM_019112.4 (MANE Select); coding-DNA position 1438, A replaced by C.
Protein change: p.Arg480=; no amino-acid change (arginine 480 retained).
Molecular consequence: synonymous variant.
Genome position (GRCh38, 1-based): chr19:1,045,224, A>C. VCF-style: chr19-1045224-A-C. GRCh37 (hg19) VCF-style: chr19-1045223-A-C.
Identifiers: ClinVar variation 2648888 (VCV002648888.24), dbSNP rs770331491, ClinGen allele CA504887601.

ClinVar aggregate classification (germline): Likely benign (1 of 4 stars; one submission).

Submission:

CeGaT Center for Human Genetics Tuebingen
Classification: Likely benign. Last evaluated: 2022-12-01. Review status: criteria provided, single submitter. Criteria: CeGaT Center For Human Genetics Tuebingen Variant Classification Criteria Version 2. Collection method: clinical testing. Allele origin: germline. Affected: yes. Observed: 1 variant allele.
Comment: ABCA7: PM2:Supporting, BP4, BP7